The following is an entry in ClinVar:

ClinVar aggregate classification (germline): Pathogenic/Likely pathogenic. Review status: criteria provided, multiple submitters, no conflicts (2 of 4 stars). 5 submissions from 5 submitters: Pathogenic (4); Likely pathogenic (1). Last evaluated 2025-04-02.

Conditions:
DICER1-related disorder. Also called: DICER1-related condition.
DICER1-related tumor predisposition. Also called: DICER1-related pleuropulmonary blastoma cancer predisposition syndrome; DICER1 syndrome. Identifiers: Orphanet 284343, MedGen C3839822, MONDO:0100216.
Hereditary cancer-predisposing syndrome. Also called: Neoplastic Syndromes, Hereditary; Tumor predisposition; Hereditary Cancer Syndrome; Hereditary neoplastic syndrome. Identifiers: Orphanet 140162, MedGen C0027672, MeSH D009386, MONDO:0015356.
Pineoblastoma. Identifiers: Orphanet 251909, MedGen C0205898, MONDO:0016722, HP:0030408.

Allele frequency attached by ClinVar (database versions not stated): gnomAD exomes below 0.00001.
gnomAD v4.1: 1 of 1,614,002 alleles (0.000062%); highest among the groups gnomAD compares: South Asian, 0.0011%; no homozygotes.

Submissions (5):

PreventionGenetics, part of Exact Sciences
Classification: Pathogenic for DICER1-related condition. Last evaluated: 2025-04-02. Review status: criteria provided, single submitter. Criteria: ACMG Guidelines, 2015. Collection method: clinical testing. Allele origin: germline.
Comment: The DICER1 c.4050+1G>A variant is predicted to disrupt the GT donor site and interfere with normal splicing. This variant has been reported in two individuals with fibroepithelial polyps and Sertoli–leydig cell tumor of the ovary or papillary thyroid carcinoma (de Kock et al. 2014. PubMed ID: 25022261; Mirshahi et al. 2021. PubMed ID: 33630087). This variant has not been reported in a large population database (gnomAD), indicating it is rare. This variant has been classified as pathogenic by other institutions in ClinVar. Variants that disrupt the consensus splice donor site in DICER1 are expected to be pathogenic. This variant is interpreted as pathogenic.

Labcorp Genetics (formerly Invitae), Labcorp
Classification: Pathogenic for DICER1-related tumor predisposition. Last evaluated: 2022-10-04. Review status: criteria provided, single submitter. Criteria: Invitae Variant Classification Sherloc (09022015). Collection method: clinical testing. Allele origin: germline.
Comment: This sequence change affects a donor splice site in intron 21 of the DICER1 gene. It is expected to disrupt RNA splicing. Variants that disrupt the donor or acceptor splice site typically lead to a loss of protein function (PMID: 16199547), and loss-of-function variants in DICER1 are known to be pathogenic (PMID: 19556464, 21266384). For these reasons, this variant has been classified as Pathogenic. Algorithms developed to predict the effect of sequence changes on RNA splicing suggest that this variant may disrupt the consensus splice site. ClinVar contains an entry for this variant (Variation ID: 225887). Disruption of this splice site has been observed in individuals with DICER1-related conditions (PMID: 21882293, 25022261). This variant is not present in population databases (gnomAD no frequency).

Foulkes Cancer Genetics LDI, Lady Davis Institute for Medical Research
Classification: Pathogenic for Pleuropulmonary blastoma. Last evaluated: 2019-07-01. Review status: criteria provided, single submitter. Criteria: ACMG Guidelines, 2015. Collection method: curation. Allele origin: germline. Affected: yes. Observed: 1 variant allele.
Comment: ACMG criteria met: PVS1, PM2, PP4

Lupski Lab, Baylor-Hopkins CMG, Baylor College of Medicine
Classification: Pathogenic for Pineoblastoma. Last evaluated: 2014-07-15. Review status: criteria provided, single submitter. Criteria: de Kock et al. (Acta Neuropathol. 2014). Collection method: research. Allele origin: germline. Inheritance: Autosomal dominant inheritance. Affected: yes. Observed: 1 variant allele.

Ambry Genetics
Classification: Likely pathogenic for Hereditary cancer-predisposing syndrome. Last evaluated: 2013-09-23. Review status: criteria provided, single submitter. Criteria: Ambry Autosomal Dominant and X-Linked criteria (10/2015). Collection method: clinical testing. Allele origin: germline. Observed: 1 variant allele.
Comment: Ã¢â‚¬â€¹The c.4050+1G>A intronic variant results from a G to A substitution one nucleotide after coding exon 20 of the DICER1 gene. This variant was not reported in population-based cohorts in the following databases: Database of Single Nucleotide Polymorphisms (dbSNP), NHLBI Exome Sequencing Project (ESP) and 1000 Genomes Project.To date, this alteration has been detected with an allele frequency of approximately 0.39% (greater than 250 alleles tested) in our clinical cohort (includes this individual). Based on nucleotide sequence alignment, this position is completely conserved in available vertebrate species. Using the BDGP and ESEfinder splice site prediction tools, this alteration is predicted to abolish the native splice donor site; however, direct evidence is unavailable. Alterations that disrupt the canonical splice donor site are typically deleterious in nature (ACMG Recommendations for Standards for Interpretation and Reporting of Sequence Variations. Revision 2007. Genet Med. 2008;10:294). As such, the c.4050+1G>A variant is classified as likely pathogenic.

Literature cited by the submitters: PubMed 16199547 (cited by Labcorp Genetics (formerly Invitae), Labcorp); PubMed 19556464 (cited by Labcorp Genetics (formerly Invitae), Labcorp); PubMed 21266384 (cited by Labcorp Genetics (formerly Invitae), Labcorp); PubMed 21882293 (cited by Labcorp Genetics (formerly Invitae), Labcorp); PubMed 25022261 (cited by Labcorp Genetics (formerly Invitae), Labcorp and Foulkes Cancer Genetics LDI, Lady Davis Institute for Medical Research).

NM_177438.3(DICER1):c.4050+1G>A

Gene: DICER1 (dicer 1, ribonuclease III; minus strand). Cytogenetic location: 14q32.13.
Variant type: single nucleotide variant.
Coding change: c.4050+1G>A on transcript NM_177438.3 (MANE Select); the canonical splice donor site of the intron after coding-DNA position 4050, G replaced by A.
Molecular consequence: splice donor variant.
Genome position (GRCh38, 1-based): chr14:95,103,345, C>T on the plus strand (G>A on the coding strand, the complement: DICER1 is on the minus strand). VCF-style: chr14-95103345-C-T. GRCh37 (hg19) VCF-style: chr14-95569682-C-T.
Other names: c.4050+1G>A (NM_001291628.2, NM_030621.4, NM_001395677.1 and 12 more transcripts); c.3645+1G>A (NM_001395690.1, NM_001395687.1, NM_001395689.1 and 2 more transcripts); c.3768+1G>A (NM_001395686.1); c.3483+1G>A (NM_001395691.1); c.2367+1G>A (NM_001395697.1).
Identifiers: ClinVar variation 225887 (VCV000225887.14), dbSNP rs875989783, ClinGen allele CA10576130.